The following is an entry in ClinVar:

NM_005219.5(DIAPH1):c.2552T>C (p.Val851Ala)

Gene: DIAPH1 (diaphanous related formin 1; minus strand). Cytogenetic location: 5q31.3.
Variant type: single nucleotide variant.
Coding change: c.2552T>C on transcript NM_005219.5 (MANE Select); coding-DNA position 2552, T replaced by C.
Protein change: p.Val851Ala; replaces valine 851 with alanine.
Molecular consequence: missense variant.
Genome position (GRCh38, 1-based): chr5:141,534,364, A>G on the plus strand (T>C on the coding strand, the complement: DIAPH1 is on the minus strand). VCF-style: chr5-141534364-A-G. GRCh37 (hg19) VCF-style: chr5-140913931-A-G.
Other names: c.2525T>C, p.Val842Ala (NM_001079812.3); c.2552T>C, p.Val851Ala (NM_001314007.2); short protein forms V842A, V851A.
Identifiers: ClinVar variation 1962358 (VCV001962358.5), dbSNP rs2099888708, ClinGen allele CA361587799.

ClinVar aggregate classification (germline): Uncertain significance (1 of 4 stars; one submission).

Conditions:
Progressive microcephaly-seizures-cortical blindness-developmental delay syndrome. Also called: Seizures, cortical blindness, and microcephaly syndrome. Identifiers: Orphanet 477814, MedGen C5567650, MONDO:0014714, OMIM 616632.
Autosomal dominant nonsyndromic hearing loss 1. Also called: DEAFNESS, AUTOSOMAL DOMINANT 1, WITH OR WITHOUT THROMBOCYTOPENIA; KONIGSMARK SYNDROME. Identifiers: Orphanet 90635, MedGen C1852282, MONDO:0007424, OMIM 124900.

Submission:

Labcorp Genetics (formerly Invitae), Labcorp
Classification: Uncertain significance for Progressive microcephaly-seizures-cortical blindness-developmental delay syndrome; Autosomal dominant nonsyndromic hearing loss 1. Last evaluated: 2022-07-20. Review status: criteria provided, single submitter. Criteria: Invitae Variant Classification Sherloc (09022015). Collection method: clinical testing. Allele origin: germline.
Comment: In summary, the available evidence is currently insufficient to determine the role of this variant in disease. Therefore, it has been classified as a Variant of Uncertain Significance. Algorithms developed to predict the effect of missense changes on protein structure and function are either unavailable or do not agree on the potential impact of this missense change (SIFT: "Deleterious"; PolyPhen-2: "Probably Damaging"; Align-GVGD: "Class C0"). This variant has not been reported in the literature in individuals affected with DIAPH1-related conditions. This variant is not present in population databases (gnomAD no frequency). This sequence change replaces valine, which is neutral and non-polar, with alanine, which is neutral and non-polar, at codon 851 of the DIAPH1 protein (p.Val851Ala).